The following is an entry in ClinVar:

ClinVar aggregate classification (germline): Uncertain significance. Review status: criteria provided, multiple submitters, no conflicts (2 of 4 stars). 10 submissions from 10 submitters: Uncertain significance (9). 1 of the submissions does not count toward it. Last evaluated 2025-11-07.

Conditions:
ATM-related disorder. Also called: ATM-related disorders; ATM-related condition.
Hereditary cancer-predisposing syndrome. Also called: Hereditary Cancer Syndrome; Neoplastic Syndromes, Hereditary; Tumor predisposition; Hereditary neoplastic syndrome. Identifiers: Orphanet 140162, MedGen C0027672, MeSH D009386, MONDO:0015356.
Familial cancer of breast. Also called: BREAST CANCER, FAMILIAL; Hereditary breast cancer; hereditary breast carcinoma. Identifiers: Orphanet 227535, MedGen C0346153, MONDO:0016419, OMIM 114480. Disease mechanism: loss of function.
Ataxia-telangiectasia syndrome (AT). Also called: Cerebello-oculocutaneous telangiectasia; Immunodeficiency with ataxia telangiectasia; Ataxia-telangiectasia, complementation group E; Ataxia-telangiectasia, complementation group D; AT, COMPLEMENTATION GROUP C; ATAXIA-TELANGIECTASIA, COMPLEMENTATION GROUP A. Identifiers: Orphanet 100, MedGen C0004135, MONDO:0008840, OMIM 208900.

Allele frequency attached by ClinVar (database versions not stated): TOPMed 0.00001; gnomAD exomes below 0.00001; gnomAD 0.00001.
gnomAD v4.1: 3 of 1,612,070 alleles (0.00019%); highest among the groups gnomAD compares: Admixed American, 0.0033%; no homozygotes.

Submissions (10):

Dasa
Classification: Uncertain significance for hereditary breast carcinoma. Last evaluated: 2025-11-07. Review status: criteria provided, single submitter. Criteria: DASA Assertion Criteria. Collection method: clinical testing. Allele origin: germline.
Comment: NM_000051.4(ATM):c.8438T>C (p.Phe2813Ser) is a missense variant that results in the substitution of phenylalanine with serine. This variant is rare in population databases. Computational prediction algorithms are consistent with a benign effect. The currently available literature and clinical evidence are not sufficient to establish a definitive association between this variant and the reported condition. Therefore, this variant is classified as a variant of uncertain significance.

Labcorp Genetics (formerly Invitae), Labcorp
Classification: Uncertain significance for Ataxia-telangiectasia syndrome. Last evaluated: 2025-06-11. Review status: criteria provided, single submitter. Criteria: Invitae Variant Classification Sherloc (09022015). Collection method: clinical testing. Allele origin: germline.
Comment: This sequence change replaces phenylalanine, which is neutral and non-polar, with serine, which is neutral and polar, at codon 2813 of the ATM protein (p.Phe2813Ser). This variant is not present in population databases (gnomAD no frequency). This variant has not been reported in the literature in individuals affected with ATM-related conditions. ClinVar contains an entry for this variant (Variation ID: 490734). Invitae Evidence Modeling of protein sequence and biophysical properties (such as structural, functional, and spatial information, amino acid conservation, physicochemical variation, residue mobility, and thermodynamic stability) indicates that this missense variant is not expected to disrupt ATM protein function with a negative predictive value of 95%. In summary, the available evidence is currently insufficient to determine the role of this variant in disease. Therefore, it has been classified as a Variant of Uncertain Significance.

PreventionGenetics, part of Exact Sciences
Classification: Uncertain significance for ATM-related condition. Last evaluated: 2025-04-03. Review status: criteria provided, single submitter. Criteria: ACMG Guidelines, 2015. Collection method: clinical testing. Allele origin: germline.
Comment: The ATM c.8438T>C variant is predicted to result in the amino acid substitution p.Phe2813Ser. To our knowledge, this variant has not been reported in the literature or in a large population database (gnomAD), indicating this variant is rare. It is interpreted as variant of uncertain significance in ClinVar. At this time, the clinical significance of this variant is uncertain due to the absence of conclusive functional and genetic evidence.

GeneDx
Classification: Uncertain significance. Last evaluated: 2024-10-11. Review status: criteria provided, single submitter. Criteria: GeneDx Variant Classification Process June 2021. Collection method: clinical testing. Allele origin: germline. Affected: yes.
Comment: Not observed at significant frequency in large population cohorts (gnomAD); In silico analysis indicates that this missense variant does not alter protein structure/function; Has not been previously published as pathogenic or benign to our knowledge; This variant is associated with the following publications: (PMID: 23532176)

Quest Diagnostics Nichols Institute San Juan Capistrano
Classification: Uncertain significance. Last evaluated: 2024-07-01. Review status: criteria provided, single submitter. Criteria: Quest Diagnostics criteria. Collection method: clinical testing. Allele origin: unknown.

Women's Health and Genetics/Laboratory Corporation of America, LabCorp
Classification: Uncertain significance. Last evaluated: 2024-05-30. Review status: criteria provided, single submitter. Criteria: LabCorp Variant Classification Summary - May 2015. Collection method: clinical testing. Allele origin: germline.

Ambry Genetics
Classification: Uncertain significance for Hereditary cancer-predisposing syndrome. Last evaluated: 2024-05-23. Review status: criteria provided, single submitter. Criteria: Ambry Variant Classification Scheme 2023. Collection method: clinical testing. Allele origin: germline.
Comment: The p.F2813S variant (also known as c.8438T>C), located in coding exon 57 of the ATM gene, results from a T to C substitution at nucleotide position 8438. The phenylalanine at codon 2813 is replaced by serine, an amino acid with highly dissimilar properties. This amino acid position is not well conserved in available vertebrate species. In addition, this alteration is predicted to be tolerated by in silico analysis. Since supporting evidence is limited at this time, the clinical significance of this alteration remains unclear.

Mendelics
Classification: Uncertain significance. Last evaluated: 2022-05-04. Review status: criteria provided, single submitter. Criteria: Mendelics Assertion Criteria 2019. Collection method: clinical testing. Allele origin: germline.

Color Diagnostics, LLC DBA Color Health
Classification: Uncertain significance for Hereditary cancer-predisposing syndrome. Last evaluated: 2019-04-09. Review status: criteria provided, single submitter. Criteria: ACMG Guidelines, 2015. Collection method: clinical testing. Allele origin: germline.

Natera, Inc.
Classification: Uncertain significance for Ataxia-telangiectasia. Last evaluated: 2021-07-02. Review status: no assertion criteria provided. Collection method: clinical testing. Allele origin: germline. Not counted in ClinVar's aggregate classification.

Literature cited by the submitters: PubMed 33471991 (cited by Quest Diagnostics Nichols Institute San Juan Capistrano).

NM_000051.4(ATM):c.8438T>C (p.Phe2813Ser)

Genes: ATM (ATM serine/threonine kinase; plus strand), C11orf65 (chromosome 11 open reading frame 65; minus strand). Cytogenetic location: 11q22.3.
Variant type: single nucleotide variant.
Coding change: c.8438T>C on transcript NM_000051.4 (MANE Select); coding-DNA position 8438, T replaced by C.
Protein change: p.Phe2813Ser; replaces phenylalanine 2813 with serine.
Molecular consequence: missense variant. On other transcripts: intron variant (2).
Genome position (GRCh38, 1-based): chr11:108,345,762, T>C. VCF-style: chr11-108345762-T-C. GRCh37 (hg19) VCF-style: chr11-108216489-T-C.
Other names: c.8438T>C, p.Phe2813Ser (NM_001351834.2); c.641-36691A>G (NM_001330368.2); c.695-10470A>G (NM_001351110.2); short protein forms F2813S.
Identifiers: ClinVar variation 490734 (VCV000490734.39), dbSNP rs1555138027, ClinGen allele CA382517806.